The following is an entry in ClinVar:

NM_000195.5(HPS1):c.140_141del (p.Leu47fs)

Gene: HPS1 (HPS1 biogenesis of lysosomal organelles complex 3 subunit 1; minus strand). Cytogenetic location: 10q24.2.
Variant type: Deletion.
Coding change: c.140_141del on transcript NM_000195.5 (MANE Select); coding-DNA positions 140 to 141, 2 bases deleted (TC; older notation c.140_141delTC).
Protein change: p.Leu47fs; shifts the reading frame from leucine 47.
Molecular consequence: frameshift variant. On other transcripts: 5 prime UTR variant (6).
Genome position (GRCh38, 1-based): chr10:98,435,749-98,435,750, GA deleted on the plus strand (TC on the coding strand, the reverse complement: HPS1 is on the minus strand); deleting any 2 consecutive bases within chr10:98,435,749-98,435,751 gives the same sequence; the c. name uses the placement nearest the transcript's 3' end. VCF-style (leftmost placement, unchanged base first): chr10-98435748-TGA-T. GRCh37 (hg19) VCF-style: chr10-100195505-TGA-T.
Other names: c.-777_-776del (NM_001311345.2); c.140_141del, p.Leu47fs (NM_001322476.2, NM_001322477.2, NM_001322478.2 and 8 more transcripts); c.-87_-86del (NM_001322483.2, NM_001322484.2, NM_001322485.2); c.-876_-875del (NM_001322487.2); c.-634_-633del (NM_001322489.2); short protein forms L47fs.
Identifiers: ClinVar variation 5015079 (VCV005015079.1).

ClinVar aggregate classification (germline): Pathogenic (1 of 4 stars; one submission).

Conditions:
Hermansky-Pudlak syndrome 1 (HPS1). Also called: DELTA STORAGE POOL DISEASE. Identifiers: Orphanet 231500, Orphanet 79430, MedGen C2931875, MONDO:0008748, OMIM 203300.

Submission:

Myriad Genetics, Inc.
Classification: Pathogenic for Hermansky-Pudlak syndrome 1. Last evaluated: 2025-10-12. Review status: criteria provided, single submitter. Criteria: Myriad Autosomal Dominant, Autosomal Recessive and X-Linked Classification Criteria (2023). Collection method: clinical testing. Allele origin: unknown.
Comment: NM_000195.3(HPS1):c.140_141delTC(L47Qfs*50) is expected to be pathogenic in the context of Hermansky-Pudlak syndrome, HPS1-related. This variant is predicted to lead to an abnormal or absent protein product due to the creation of a premature termination codon in HPS1, a gene where loss-of-function variants are known to be pathogenic. Please note: this variant was assessed in the context of healthy population screening.